The following is an entry in ClinVar:

ClinVar aggregate classification (germline): Pathogenic (1 of 4 stars; one submission).

Conditions:
Autosomal recessive titinopathy. Identifiers: MedGen CN315649, MONDO:0100493.

Submission:

Victorian Clinical Genetics Services, Murdoch Childrens Research Institute
Classification: Pathogenic for Autosomal recessive titinopathy. Last evaluated: 2024-10-09. Review status: criteria provided, single submitter. Criteria: ACMG Guidelines, 2015. Collection method: clinical testing. Allele origin: germline. Inheritance: Autosomal recessive inheritance. Affected: yes.
Comment: Based on the classification scheme VCGS_Germline_v1.3.4, this variant is classified as Pathogenic. Following criteria are met: 0102 - Loss of function is known mechanism of disease in this gene. In addition, dominant-negative is also a suggested mechanism. (PMID: 25589632). (I) 0108 - This gene is associated with both recessive and dominant disease (OMIM). (I) 0112 - The condition associated with this gene has incomplete penetrance. Variants in this gene that result in a premature termination codon (PTC) are known to have reduced penetrance in DCM (PMID: 25589632). (I) 0201 - Variant is predicted to cause nonsense-mediated decay (NMD) and loss of protein (premature termination codon is located at least 54 nucleotides upstream of the final exon-exon junction). (SP) 0251 - This variant is heterozygous. (I) 0301 - Variant is absent from gnomAD (both v2 and v3). (SP) 0600 - Variant is located in the annotated A-band and the exon has a PSI score of 100% (PMID: 25589632). (I) 0701 - Other NMD-predicted variants comparable to the one identified in this case have very strong previous evidence for pathogenicity (ClinVar), and have been reported in individuals with autosomal recessive tintinopathies and with autosomal dominant cardiac conditions (PMID: 32778822). (SP) 0807 - This variant has no previous evidence of pathogenicity. (I) 0905 - No published segregation evidence has been identified for this variant. (I) 1007 - No published functional evidence has been identified for this variant. (I) 1208 - Inheritance information for this variant is not currently available in this individual. (I) Legend: (SP) - Supporting pathogenic, (I) - Information, (SB) - Supporting benign

Literature cited by the submitters: PubMed 25589632; PubMed 32778822.

NM_001267550.2(TTN):c.83861dup (p.Ile27955fs)

Genes: TTN (titin; minus strand), TTN-AS1 (TTN antisense RNA 1; plus strand). Cytogenetic location: 2q31.2.
Variant type: Duplication.
Coding change: c.83861dup on transcript NM_001267550.2 (MANE Select); coding-DNA position 83861, one base duplicated (T; older notation c.83861dupT).
Protein change: p.Ile27955fs; shifts the reading frame from isoleucine 27955.
Molecular consequence: frameshift variant.
Genome position (GRCh38, 1-based): chr2:178,562,271, A duplicated on the plus strand (T on the coding strand, the reverse complement: TTN is on the minus strand). VCF-style (leftmost placement, unchanged base first): chr2-178562270-T-TA. GRCh37 (hg19) VCF-style: chr2-179426997-T-TA.
Other names: c.78938dup, p.Ile26314fs (NM_001256850.1); c.56666dup, p.Ile18890fs (NM_003319.4); c.76157dup, p.Ile25387fs (NM_133378.4); c.57041dup, p.Ile19015fs (NM_133432.3); c.57242dup, p.Ile19082fs (NM_133437.4); c.83861dupT (NM_001267550.1); short protein forms I18890fs, I19015fs, I19082fs, I25387fs, I26314fs, I27955fs.
Identifiers: ClinVar variation 3377429 (VCV003377429.1).